The following is an entry in ClinVar:

NM_005733.3(KIF20A):c.1664T>C (p.Ile555Thr)

Gene: KIF20A (kinesin family member 20A; plus strand). Cytogenetic location: 5q31.2.
Variant type: single nucleotide variant.
Coding change: c.1664T>C on transcript NM_005733.3 (MANE Select); coding-DNA position 1664, T replaced by C.
Protein change: p.Ile555Thr; replaces isoleucine 555 with threonine.
Molecular consequence: missense variant.
Genome position (GRCh38, 1-based): chr5:138,184,657, T>C. VCF-style: chr5-138184657-T-C. GRCh37 (hg19) VCF-style: chr5-137520346-T-C.
Other names: short protein forms I555T.
Identifiers: ClinVar variation 4696486 (VCV004696486.1).
Genomic context (GRCh38, chr5:138,184,657, plus strand): 5'-TAGAGAAAGGGGCTAAGGCAGACACAGGCCTTGATGATGATATTGAAAATGAAGCTGACA[T>C]CTCCATGTATGGCAAAGAGGTGAGAATACAAGAAAGCTTTAGTGTAGCAGCTTAGTAGCT-3'
Protein context (NP_005724.1, residues 545-565): LDDDIENEAD[Ile555Thr]SMYGKEELLQ

ClinVar aggregate classification (germline): Uncertain significance (1 of 4 stars; one submission).

gnomAD v4.1: 3 of 1,613,910 alleles (0.00019%); highest among the groups gnomAD compares: Non-Finnish European, 0.00025%; no homozygotes.

Submission:

Labcorp Genetics (formerly Invitae), Labcorp
Classification: Uncertain significance. Last evaluated: 2025-06-15. Review status: criteria provided, single submitter. Criteria: Invitae Variant Classification Sherloc (09022015). Collection method: clinical testing. Allele origin: germline.
Comment: This sequence change replaces isoleucine, which is neutral and non-polar, with threonine, which is neutral and polar, at codon 555 of the KIF20A protein (p.Ile555Thr). This variant is present in population databases (rs374372473, gnomAD 0.002%). This variant has not been reported in the literature in individuals affected with KIF20A-related conditions. An algorithm developed to predict the effect of missense changes on protein structure and function (PolyPhen-2) suggests that this variant is likely to be tolerated. In summary, the available evidence is currently insufficient to determine the role of this variant in disease. Therefore, it has been classified as a Variant of Uncertain Significance.